The following is an entry in ClinVar:

NM_003477.3(PDHX):c.921_922del (p.Cys307_Asp308delinsTer)

Gene: PDHX (pyruvate dehydrogenase complex component X; plus strand). Cytogenetic location: 11p13.
Variant type: Microsatellite.
Coding change: c.921_922del on transcript NM_003477.3 (MANE Select); coding-DNA positions 921 to 922, 2 bases deleted (TG; older notation c.921_922delTG).
Protein change: p.Cys307_Asp308delinsTer.
Molecular consequence: nonsense. On other transcripts: intron variant (1).
Genome position (GRCh38, 1-based): chr11:34,970,243-34,970,244, TG deleted; deleting any 2 consecutive bases within chr11:34,970,241-34,970,244 gives the same sequence; the c. name uses the placement nearest the transcript's 3' end. VCF-style (leftmost placement, unchanged base first): chr11-34970240-CTG-C. GRCh37 (hg19) VCF-style: chr11-34991787-CTG-C.
Other names: c.741_742del, p.Cys247_Asp248delinsTer (NM_001135024.2); c.343-14327_343-14326del (NM_001166158.2).
Identifiers: ClinVar variation 2021106 (VCV002021106.4), dbSNP rs2494728791, ClinGen allele CA2580615659.
Genomic context (GRCh38, chr11:34,970,240, plus strand): 5'-TATTGCCAAGAGATTAACTGAATCTAAAAGTACTGTACCTCATGCATATGCTACTGCTGA[CTG>C]TGACCTTGGAGCTGTTTTAAAAGTTAGGCAAGATCTGGTCAAAGGTTAGTAAAATTGAAT-3'

ClinVar aggregate classification (germline): Pathogenic (1 of 4 stars; one submission).

Submission:

Labcorp Genetics (formerly Invitae), Labcorp
Classification: Pathogenic. Last evaluated: 2022-11-29. Review status: criteria provided, single submitter. Criteria: Invitae Variant Classification Sherloc (09022015). Collection method: clinical testing. Allele origin: germline.
Comment: For these reasons, this variant has been classified as Pathogenic. This variant has not been reported in the literature in individuals affected with PDHX-related conditions. This variant is not present in population databases (gnomAD no frequency). This sequence change creates a premature translational stop signal (p.Cys307*) in the PDHX gene. It is expected to result in an absent or disrupted protein product. Loss-of-function variants in PDHX are known to be pathogenic (PMID: 16904023, 21914562).

Literature cited by the submitters: PubMed 16904023; PubMed 21914562.